The following is an entry in ClinVar:

NM_002547.3(OPHN1):c.1668A>G (p.Leu556=)

Gene: OPHN1 (oligophrenin 1; minus strand). Cytogenetic location: Xq12.
Variant type: single nucleotide variant.
Coding change: c.1668A>G on transcript NM_002547.3 (MANE Select); coding-DNA position 1668, A replaced by G.
Protein change: p.Leu556=; no amino-acid change (leucine 556 retained).
Molecular consequence: synonymous variant.
Genome position (GRCh38, 1-based): chrX:68,096,888, T>C on the plus strand (A>G on the coding strand, the complement: OPHN1 is on the minus strand). VCF-style: chrX-68096888-T-C. GRCh37 (hg19) VCF-style: chrX-67316730-T-C.
Identifiers: ClinVar variation 510252 (VCV000510252.1), dbSNP rs1033071630, ClinGen allele CA330810414.

ClinVar aggregate classification (germline): Likely benign (1 of 4 stars; one submission).

Allele frequency attached by ClinVar (database versions not stated): gnomAD exomes 0.00001.
gnomAD v4.1: 3 of 1,210,582 alleles (0.00025%); highest among the groups gnomAD compares: Non-Finnish European, 0.00034%; no homozygotes.

Submission:

GeneDx
Classification: Likely benign. Last evaluated: 2017-06-19. Review status: criteria provided, single submitter. Criteria: GeneDx Variant Classification (06012015). Collection method: clinical testing. Allele origin: germline. Affected: yes.
Comment: This variant is considered likely benign or benign based on one or more of the following criteria: it is a conservative change, it occurs at a poorly conserved position in the protein, it is predicted to be benign by multiple in silico algorithms, and/or has population frequency not consistent with disease.